The following is an entry in ClinVar:

NM_001042492.3(NF1):c.1447del (p.Asp483fs)

Gene: NF1 (neurofibromin 1; plus strand). Cytogenetic location: 17q11.2.
Variant type: Deletion.
Coding change: c.1447del on transcript NM_001042492.3 (MANE Select); coding-DNA position 1447, one base deleted (G; older notation c.1447delG).
Protein change: p.Asp483fs; shifts the reading frame from aspartic acid 483.
Molecular consequence: frameshift variant.
Genome position (GRCh38, 1-based): chr17:31,214,505, G deleted. VCF-style (leftmost placement, unchanged base first): chr17-31214504-AG-A. GRCh37 (hg19) VCF-style: chr17-29541522-AG-A.
Other names: c.1447delG, p.Asp483Thrfs (NM_000267.4); c.1447del, p.Asp483fs (NM_001128147.3); short protein forms D483fs.
Identifiers: ClinVar variation 3661733 (VCV003661733.2).

ClinVar aggregate classification (germline): Pathogenic (1 of 4 stars; one submission).

Conditions:
Neurofibromatosis, type 1 (NF1). Also called: Peripheral type neurofibromatosis; VON RECKLINGHAUSEN DISEASE; NEUROFIBROMATOSIS, TYPE I, SOMATIC; Neurofibromatosis, type I. Identifiers: Orphanet 636, MedGen C0027831, MONDO:0018975, OMIM 162200. Disease mechanism: loss of function.

Submission:

Labcorp Genetics (formerly Invitae), Labcorp
Classification: Pathogenic for Neurofibromatosis, type 1. Last evaluated: 2024-08-08. Review status: criteria provided, single submitter. Criteria: Invitae Variant Classification Sherloc (09022015). Collection method: clinical testing. Allele origin: germline.
Comment: This sequence change creates a premature translational stop signal (p.Asp483Thrfs*15) in the NF1 gene. It is expected to result in an absent or disrupted protein product. Loss-of-function variants in NF1 are known to be pathogenic (PMID: 10712197, 23913538). This variant is not present in population databases (gnomAD no frequency). This variant has not been reported in the literature in individuals affected with NF1-related conditions. For these reasons, this variant has been classified as Pathogenic.

Literature cited by the submitters: PubMed 10712197; PubMed 23913538.